The following is an entry in ClinVar:

ClinVar aggregate classification (germline): Benign (3 of 4 stars; one submission).

Conditions:
Breast-ovarian cancer, familial, susceptibility to, 1 (BROVCA1). Also called: BRCA1 Hereditary Breast and Ovarian Cancer; OVARIAN CANCER, SUSCEPTIBILITY TO. Identifiers: Orphanet 145, MedGen C2676676, MONDO:0011450, OMIM 604370. Disease mechanism: loss of function.

Allele frequency attached by ClinVar (database versions not stated): TOPMed 0.30216; gnomAD 0.30926 and 0.31671; 1000 Genomes Project 30x 0.34760; 1000 Genomes Project 0.35363.
gnomAD v4.1: 48,026 of 151,592 alleles (32%); highest among the groups gnomAD compares: South Asian, 49%; 7,918 homozygotes.

Submission:

Evidence-based Network for the Interpretation of Germline Mutant Alleles (ENIGMA)
Classification: Benign for Breast-ovarian cancer, familial 1. Last evaluated: 2015-01-12. Review status: reviewed by expert panel. Criteria: ENIGMA BRCA1/2 Classification Criteria (2015). Collection method: curation. Allele origin: germline.
Comment: Class 1 not pathogenic based on frequency >1% in an outbred sampleset. Frequency 0.3287 (Asian), 0.2154 (African), 0.3549 (European), derived from 1000 genomes (2012-04-30).

NM_007294.4(BRCA1):c.4185+3470A>G

Gene: BRCA1 (BRCA1 DNA repair associated; minus strand). Cytogenetic location: 17q21.31.
Variant type: single nucleotide variant.
Coding change: c.4185+3470A>G on transcript NM_007294.4 (MANE Select); 3470 bases into the intron after coding-DNA position 4185, A replaced by G.
Molecular consequence: intron variant.
Genome position (GRCh38, 1-based): chr17:43,087,474, T>C on the plus strand (A>G on the coding strand, the complement: BRCA1 is on the minus strand). VCF-style: chr17-43087474-T-C. GRCh37 (hg19) VCF-style: chr17-41239491-T-C.
Other names: IVS 12+3470A>G; c.3972+3470A>G (NM_001407917.1, NM_001407897.1, NM_001407898.1 and 9 more transcripts); c.732+3470A>G (NM_001408462.1, NM_001408470.1, NM_001408464.1 and 3 more transcripts); c.4185+3470A>G (NM_001407623.1, NM_001407605.1, NM_001407642.1 and 30 more transcripts); c.3975+3470A>G (NM_001407902.1, NM_001407908.1, NM_001407882.1 and 13 more transcripts); c.798+3470A>G (NM_001408414.1, NM_001408411.1, NM_001408415.1 and 2 more transcripts); c.4107+3470A>G (NM_001407655.1, NM_001407656.1, NM_001407657.1 and 4 more transcripts); c.3849+3470A>G (NM_001407956.1, NM_001407958.1, NM_001407955.1 and 1 more transcripts); and 42 more.
Identifiers: ClinVar variation 209425 (VCV000209425.2), dbSNP rs8176170, ClinGen allele CA276397.